The following is an entry in ClinVar:

NM_004004.6(GJB2):c.223C>T (p.Arg75Trp)

Gene: GJB2 (gap junction protein beta 2; minus strand). Cytogenetic location: 13q12.11.
Variant type: single nucleotide variant.
Coding change: c.223C>T on transcript NM_004004.6 (MANE Select); coding-DNA position 223, C replaced by T.
Protein change: p.Arg75Trp; replaces arginine 75 with tryptophan.
Molecular consequence: missense variant.
Genome position (GRCh38, 1-based): chr13:20,189,359, G>A on the plus strand (C>T on the coding strand, the complement: GJB2 is on the minus strand). VCF-style: chr13-20189359-G-A. GRCh37 (hg19) VCF-style: chr13-20763498-G-A.
Other names: short protein forms R75W.
Identifiers: ClinVar variation 17011 (VCV000017011.24), dbSNP rs104894402, ClinGen allele CA257676.

ClinVar aggregate classification (germline): Pathogenic. Review status: criteria provided, multiple submitters, no conflicts (2 of 4 stars). 12 submissions from 12 submitters: Pathogenic (9). 3 of the submissions do not count toward it. Last evaluated 2026-08-20.

Conditions:
Autosomal dominant GJB2-related disorders.
Nonsyndromic genetic hearing loss. Also called: Nonsyndromic hearing loss and deafness; Non-syndromic genetic deafness; Nonsyndromic genetic deafness. Identifiers: Orphanet 87884, MedGen C5680182, MONDO:0019497.
Hereditary palmoplantar keratoderma. Identifiers: Orphanet 79357, MedGen C0406757, MONDO:0019272.
Rare genetic deafness. Identifiers: Orphanet 96210, MedGen C5680250.
Monogenic hearing loss.
Autosomal dominant nonsyndromic hearing loss 3A. Identifiers: Orphanet 90635, MedGen C2675750, MONDO:0011103, OMIM 601544.
Autosomal recessive nonsyndromic hearing loss 1A (DFNB1A). Also called: Deafness, autosomal recessive 1A; GJB2-Related Autosomal Recessive Nonsyndromic Hearing Loss; Connexin 26 deafness; Deafness nonsyndromic, Connexin 26 linked; Nonsyndromic Hearing Loss and Deafness, DFNB1; GJB6-Related DFNB 1 Nonsyndromic Hearing Loss and Deafness. Identifiers: Orphanet 90636, MedGen C2673759, MONDO:0009076, OMIM 220290.
Hearing loss, autosomal recessive. Also called: Rare autosomal recessive non-syndromic sensorineural deafness type DFNB; Nonsyndromic Hearing Loss, Recessive; Autosomal recessive nonsyndromic deafness; Deafness, autosomal recessive. Identifiers: Orphanet 90635, Orphanet 90636, MedGen C1846647, MONDO:0019588, OMIM 607197.
Palmoplantar keratoderma-deafness syndrome. Also called: Keratoderma palmoplantar, with deafness; Palmoplantar keratoderma and sensorineural deafness; Hereditary palmoplantar keratoderma with deafness (subtype); Focal palmoplantar keratoderma with sensorineural deafness (subtype); Diffuse palmoplantar keratoderma with deafness (subtype). Identifiers: Orphanet 2202, MedGen C1835672, MONDO:0007852, OMIM 148350.

Submissions 1 to 7 of 12:

Genetics Laboratory, Great Ormond Street Hospital NHS Foundation Trust, North Thames Genomic Laboratory Hub
Classification: Pathogenic for Monogenic hearing loss. Last evaluated: 2026-08-20. Review status: criteria provided, single submitter. Criteria: ACGS Best Practice Guidelines for Variant Classification in Rare Disease 2024 v1.2. Collection method: clinical testing. Allele origin: germline. Affected: yes.
Comment: PS4_moderate, PM2_moderate, PP3_supporting, PM5_moderate, PP1_supporting, PS2_very-strong

Natera, Inc.
Classification: Pathogenic for Autosomal recessive deafness type 1A. Last evaluated: 2025-07-17. Review status: criteria provided, single submitter. Criteria: Natera Variant Classification Schema (03/2026). Collection method: clinical testing. Allele origin: germline.
Comment: The c.223C>T variant in GJB2 is a missense variant predicted to cause substitution of arginine to tryptophan at amino acid 75. This variant is rare in the general population with a frequency below the threshold expected for the associated phenotype(s). This variant has been observed in affected individual(s) with monoallelic occurrence (heterozygous/hemizygous) (PMID: 21510145, 24945352). This variant has been confirmed as or assumed to be a de novo occurrence in one or more affected individuals (PMID: 21510145, 24945352). A different variant at the same position has been determined to be Pathogenic or Likely Pathogenic. Computational prediction algorithms indicate this variant is likely to affect gene or protein function. Given the available evidence, this variant is classified as Pathogenic.

Labcorp Genetics (formerly Invitae), Labcorp
Classification: Pathogenic. Last evaluated: 2025-07-10. Review status: criteria provided, single submitter. Criteria: Invitae Variant Classification Sherloc (09022015). Collection method: clinical testing. Allele origin: germline.
Comment: This sequence change replaces arginine, which is basic and polar, with tryptophan, which is neutral and slightly polar, at codon 75 of the GJB2 protein (p.Arg75Trp). This variant is not present in population databases (gnomAD no frequency). This missense change has been observed in individual(s) with autosomal dominant GJB2-related conditions (PMID: 9856479, 24945352). In at least one individual the variant was observed to be de novo. ClinVar contains an entry for this variant (Variation ID: 17011). Invitae Evidence Modeling of protein sequence and biophysical properties (such as structural, functional, and spatial information, amino acid conservation, physicochemical variation, residue mobility, and thermodynamic stability) indicates that this missense variant is expected to disrupt GJB2 protein function with a positive predictive value of 95%. Experimental studies have shown that this missense change affects GJB2 function (PMID: 9856479). This variant disrupts the p.Arg75 amino acid residue in GJB2. Other variant(s) that disrupt this residue have been determined to be pathogenic (PMID: 12372058, 21040787, 24945352). This suggests that this residue is clinically significant, and that variants that disrupt this residue are likely to be disease-causing. For these reasons, this variant has been classified as Pathogenic.

Variantyx, Inc.
Classification: Pathogenic for Autosomal dominant GJB2-related disorders. Last evaluated: 2025-05-13. Review status: criteria provided, single submitter. Criteria: Variantyx Assertion Criteria 2022. Collection method: clinical testing. Allele origin: germline. Inheritance: Autosomal dominant inheritance. Affected: yes.
Comment: This is a nonsynonymous variant in the GJB2 gene (OMIM: 121011). Pathogenic variants in this gene have been associated with autosomal dominant GJB2-related disorders. This variant has been reported in at least 8 unrelated affected individuals (PMID: 11354642, 9856479, 21510145, 24945352, 20890442, 18924167, 17666888) (PS4_Moderate). Functional studies have shown that this variant alters GJB2 protein function (PMID: 15996214, 9856479, 24387126) (PS3). Alternate amino acid change(s) at this position (p.R75Q) have been previously reported in similarly affected individuals, which suggests that this residue is biologically important (PMID: 16059934) (PM5). Multiple computational algorithms predict a deleterious effect for this variant (REVEL score: 0.97) (PP3). This variant is absent from control populations (PM2). Based on the current evidence, this variant is classified as pathogenic for autosomal dominant GJB2-related disorders.

GeneDx
Classification: Pathogenic. Last evaluated: 2022-07-18. Review status: criteria provided, single submitter. Criteria: GeneDx Variant Classification Process June 2021. Collection method: clinical testing. Allele origin: germline. Affected: yes.
Comment: Published functional studies demonstrate a damaging effect (exerts a dominant negative effect on co-expressed wildtype protein, alters Cx26 channel activity, and delays apoptosis) (Rouan et al., 2001; Zhang et al., 2011; Inoshita et al., 2014); Not observed at significant frequency in large population cohorts (gnomAD); This variant is associated with the following publications: (PMID: 20890442, 17462767, 9856479, 12384501, 25388846, 12668604, 12064628, 18924167, 14681039, 18941476, 16009703, 11493646, 21040787, 20096356, 26763877, 21510145, 18793701, 17666888, 16945493, 12700168, 20301708, 34440452, 30168495, 33096615, 20583176, 24945352, 11354642, 24387126)

INGEBI, INGEBI / CONICET
Classification: Pathogenic for Nonsyndromic hearing loss and deafness; Hereditary palmoplantar keratoderma. Last evaluated: 2020-08-21. Review status: criteria provided, single submitter. Criteria: ClinGen HL ACMG Specifications v1. Collection method: clinical testing. Allele origin: germline. Inheritance: Autosomal dominant inheritance. Affected: yes. Observed: 1 variant allele.
Comment: Based on ACMG/AMP guidelines and Hearing Loss Expert Panel specific criteria: the c.223C>T, p.Arg75Trp is absent from population databases (gnomAD, GO-ESP, 1000 genomes) meeting PM2 criteria. It was found in 1/154 Egyptian controls who did not show skin disease but they had not been tested for hearing loss (PMID: 9856479) so that this evidence was not counted. The novo confirmed occurrences have been detected in two sporadic non-syndromic hearing loss cases (PMID: 11354642, 2151045) and three syndromic cases (hearing loss and palmoplantar keratoderma; PMID: 18924167, 24945352), meeting PS2_VeryStrong criteria. The p.Arg75Trp change has segregated in three different families with palmoplantar keratoderma and hearing impairment (PMID: 9856479, 20890442, 24945352) applying to PP1_Supporting rule. Besides, this variant was detected in heterozygous state in several sporadic non-syndromic hearing loss patients (PMID: 10980526, 17666888, 18941476) meeting PS4_Moderate criteria. Computational evidence predicted that the mutation has a damaging impact to the protein (REVEL=0.97; PP3). Functional studies in HeLa cells (dye transfer assays) demonstrated a dominant effect of p.Arg75Trp mutant when it was co-injected with CX26WT and CX30WT (completely inhibition of dye transfer); PMID: 12668604, 18941476. In addition to this, functional studies also showed that p.Arg75Trp mutant was incapable of inducing electrical conductance between adjacent cells and it almost completely suppressed the activity of co-expressed WT protein in Xenopus laevis oocytes (PMID: 9856479). Furthermore, transgenic mice expressing R75WCX26 mutant showed severe-profound hearing loss, deformity of supporting cells failure in the formation of the tunnel of Corti and degeneration of sensory hair cells (PMID:12700168) and it was demonstrated its importance for the postnatal development of the organ of Corti and normal hearing (PMID:18793701). Therefore, the c.223C>T variant meets criteria to be classified as pathogenic for autosomal dominant non-syndromic hearing loss and syndromic hearing loss (palmoplantar keratoderma and deafness) (PM2, PS2_VeryStrong, PS4_Moderate, PP1_Supporting, PP3 and PS3_Strong).

Center of Genomic medicine, Geneva, University Hospital of Geneva
Classification: Pathogenic for Palmoplantar keratoderma-deafness syndrome. Last evaluated: 2020-04-22. Review status: criteria provided, single submitter. Criteria: ACMG Guidelines, 2015. Collection method: clinical testing. Allele origin: de novo. Affected: yes. Observed: 1 variant allele.